The following is an entry in ClinVar:

ClinVar aggregate classification (germline): Likely benign. Review status: criteria provided, multiple submitters, no conflicts (2 of 4 stars). 2 submissions from 2 submitters: Likely benign (2). Last evaluated 2025-12-20.

Conditions:
PLEC-related disorder. Also called: PLEC-related condition; PLEC-related disorders.

gnomAD v4.1: 471 of 1,607,942 alleles (0.029%); highest among the groups gnomAD compares: Admixed American, 0.044%; no homozygotes.

Submissions (2):

PreventionGenetics, part of Exact Sciences
Classification: Likely benign for PLEC-related condition. Last evaluated: 2025-12-20. Review status: criteria provided, single submitter. Criteria: ACMG Guidelines, 2015. Collection method: clinical testing. Allele origin: germline.
Comment: This variant is classified as likely benign based on ACMG/AMP sequence variant interpretation guidelines (Richards et al. 2015 PMID: 25741868, with internal and published modifications).

Blueprint Genetics
Classification: Likely benign. Last evaluated: 2024-11-26. Review status: criteria provided, single submitter. Criteria: ACMG Guidelines, 2015. Collection method: clinical testing. Allele origin: germline.

NM_201378.4(PLEC):c.71-11892C>T

Gene: PLEC (plectin; minus strand). Cytogenetic location: 8q24.3.
Variant type: single nucleotide variant.
Coding change: c.71-11892C>T on transcript NM_201378.4 (MANE Plus Clinical); 11892 bases into the intron before coding-DNA position 71, C replaced by T.
Molecular consequence: intron variant. On other transcripts: synonymous variant (1).
Genome position (GRCh38, 1-based): chr8:143,950,584, G>A on the plus strand (C>T on the coding strand, the complement: PLEC is on the minus strand). VCF-style: chr8-143950584-G-A. GRCh37 (hg19) VCF-style: chr8-145024752-G-A.
Other names: c.123C>T, p.Pro41= (NM_201380.4); c.194-11892C>T (NM_001410941.1, NM_000445.5); c.46+3142C>T (NM_201379.3).
Identifiers: ClinVar variation 4902048 (VCV004902048.2).